The following is an entry in ClinVar:

NM_003873.7(NRP1):c.243C>T (p.Asp81=)

Gene: NRP1 (neuropilin 1; minus strand). Cytogenetic location: 10p11.22.
Variant type: single nucleotide variant.
Coding change: c.243C>T on transcript NM_003873.7 (MANE Select); coding-DNA position 243, C replaced by T.
Protein change: p.Asp81=; no amino-acid change (aspartic acid 81 retained).
Molecular consequence: synonymous variant. On other transcripts: non-coding transcript variant (1).
Genome position (GRCh38, 1-based): chr10:33,330,713, G>A on the plus strand (C>T on the coding strand, the complement: NRP1 is on the minus strand). VCF-style: chr10-33330713-G-A. GRCh37 (hg19) VCF-style: chr10-33619641-G-A.
Other names: c.243C>T, p.Asp81= (NM_001024628.3, NM_001024629.3, NM_001244972.2 and 2 more transcripts).
Identifiers: ClinVar variation 788426 (VCV000788426.7), dbSNP rs12268149, ClinGen allele CA5467014.

ClinVar aggregate classification (germline): Benign. Review status: criteria provided, multiple submitters, no conflicts (2 of 4 stars). 3 submissions from 3 submitters: Benign (2). 1 of the submissions does not count toward it. Last evaluated 2019-12-31.

Conditions:
NRP1-related disorder. Also called: NRP1-related condition.

Allele frequency attached by ClinVar (database versions not stated): gnomAD exomes 0.00188; ExAC 0.00236; 1000 Genomes Project 30x 0.00656; 1000 Genomes Project 0.00739; gnomAD 0.00772 and 0.00836; TOPMed 0.00828; ESP Exome Variant Server 0.00846.
gnomAD v4.1: 2,254 of 1,611,386 alleles (0.14%); highest among the groups gnomAD compares: African/African-American, 2.8%; 30 homozygotes.

Submissions (3):

Labcorp Genetics (formerly Invitae), Labcorp
Classification: Benign. Last evaluated: 2019-12-31. Review status: criteria provided, single submitter. Criteria: Invitae Variant Classification Sherloc (09022015). Collection method: clinical testing. Allele origin: germline.

Breakthrough Genomics
Classification: Benign. Review status: criteria provided, single submitter. Criteria: ACMG Guidelines, 2015. Collection method: not provided. Allele origin: germline. Inheritance: Unknown mechanism. Affected: yes.

PreventionGenetics, part of Exact Sciences
Classification: Benign for NRP1-related condition. Last evaluated: 2019-03-25. Review status: no assertion criteria provided. Collection method: clinical testing. Allele origin: germline. Not counted in ClinVar's aggregate classification.
Comment: This variant is classified as benign based on ACMG/AMP sequence variant interpretation guidelines (Richards et al. 2015 PMID: 25741868, with internal and published modifications).